The following is an entry in ClinVar:

ClinVar aggregate classification (germline): Uncertain significance (1 of 4 stars; one submission).

Allele frequency attached by ClinVar (database versions not stated): TOPMed below 0.00001.

Submission:

Labcorp Genetics (formerly Invitae), Labcorp
Classification: Uncertain significance. Last evaluated: 2024-11-04. Review status: criteria provided, single submitter. Criteria: Invitae Variant Classification Sherloc (09022015). Collection method: clinical testing. Allele origin: germline.
Comment: This sequence change replaces glutamic acid, which is acidic and polar, with lysine, which is basic and polar, at codon 1094 of the COL11A1 protein (p.Glu1094Lys). This variant is not present in population databases (gnomAD no frequency). This variant has not been reported in the literature in individuals affected with COL11A1-related conditions. ClinVar contains an entry for this variant (Variation ID: 2821812). Invitae Evidence Modeling of protein sequence and biophysical properties (such as structural, functional, and spatial information, amino acid conservation, physicochemical variation, residue mobility, and thermodynamic stability) indicates that this missense variant is not expected to disrupt COL11A1 protein function with a negative predictive value of 80%. In summary, the available evidence is currently insufficient to determine the role of this variant in disease. Therefore, it has been classified as a Variant of Uncertain Significance.

NM_001854.4(COL11A1):c.3280G>A (p.Glu1094Lys)

Gene: COL11A1 (collagen type XI alpha 1 chain; minus strand). Cytogenetic location: 1p21.1.
Variant type: single nucleotide variant.
Coding change: c.3280G>A on transcript NM_001854.4 (MANE Select); coding-DNA position 3280, G replaced by A.
Protein change: p.Glu1094Lys; replaces glutamic acid 1094 with lysine.
Molecular consequence: missense variant. On other transcripts: non-coding transcript variant (1).
Genome position (GRCh38, 1-based): chr1:102,940,431, C>T on the plus strand (G>A on the coding strand, the complement: COL11A1 is on the minus strand). VCF-style: chr1-102940431-C-T. GRCh37 (hg19) VCF-style: chr1-103405987-C-T.
Other names: c.2932G>A, p.Glu978Lys (NM_001168249.1, NM_080630.4); c.3163G>A, p.Glu1055Lys (NM_001190709.2); c.3316G>A, p.Glu1106Lys (NM_080629.3); short protein forms E1055K, E1094K, E978K, E1106K.
Identifiers: ClinVar variation 2821812 (VCV002821812.3), dbSNP rs1658603528, ClinGen allele CA341170089.